The following is an entry in ClinVar:

ClinVar aggregate classification (germline): Uncertain significance (1 of 4 stars; one submission).

Conditions:
RASopathy. Also called: Noonan spectrum disorder; rasopathies. Identifiers: Orphanet 536391, MedGen C5555857, MONDO:0021060.

Allele frequency attached by ClinVar (database versions not stated): gnomAD exomes below 0.00001; ExAC 0.00001.
gnomAD v4.1: 3 of 1,614,028 alleles (0.00019%); no homozygotes.

Submission:

Labcorp Genetics (formerly Invitae), Labcorp
Classification: Uncertain significance for RASopathy. Last evaluated: 2023-01-21. Review status: criteria provided, single submitter. Criteria: Invitae Variant Classification Sherloc (09022015). Collection method: clinical testing. Allele origin: germline.
Comment: In summary, the available evidence is currently insufficient to determine the role of this variant in disease. Therefore, it has been classified as a Variant of Uncertain Significance. Advanced modeling of protein sequence and biophysical properties (such as structural, functional, and spatial information, amino acid conservation, physicochemical variation, residue mobility, and thermodynamic stability) has been performed at Invitae for this missense variant, however the output from this modeling did not meet the statistical confidence thresholds required to predict the impact of this variant on SOS1 protein function. This variant has not been reported in the literature in individuals affected with SOS1-related conditions. This variant is present in population databases (rs767619216, gnomAD 0.02%). This sequence change replaces glutamic acid, which is acidic and polar, with glycine, which is neutral and non-polar, at codon 1059 of the SOS1 protein (p.Glu1059Gly).

NM_005633.4(SOS1):c.3176A>G (p.Glu1059Gly)

Gene: SOS1 (SOS Ras/Rac guanine nucleotide exchange factor 1; minus strand). Cytogenetic location: 2p22.1.
Variant type: single nucleotide variant.
Coding change: c.3176A>G on transcript NM_005633.4 (MANE Select); coding-DNA position 3176, A replaced by G.
Protein change: p.Glu1059Gly; replaces glutamic acid 1059 with glycine.
Molecular consequence: missense variant.
Genome position (GRCh38, 1-based): chr2:38,995,293, T>C on the plus strand (A>G on the coding strand, the complement: SOS1 is on the minus strand). VCF-style: chr2-38995293-T-C. GRCh37 (hg19) VCF-style: chr2-39222434-T-C.
Other names: c.3155A>G, p.Glu1052Gly (NM_001382394.1); c.3176A>G, p.Glu1059Gly (NM_001382395.1); short protein forms E1052G, E1059G.
Identifiers: ClinVar variation 2756804 (VCV002756804.3), dbSNP rs767619216, ClinGen allele CA1624246.